The following is an entry in ClinVar:

ClinVar aggregate classification (germline): Uncertain significance. Review status: criteria provided, multiple submitters, no conflicts (2 of 4 stars). 2 submissions from 2 submitters: Uncertain significance (2). Last evaluated 2026-01-22.

Conditions:
SH2B1-related disorder. Also called: SH2B1-related condition.

gnomAD v4.1: 24 of 1,614,028 alleles (0.0015%); highest among the groups gnomAD compares: South Asian, 0.0099%; no homozygotes.

Submissions (2):

PreventionGenetics, part of Exact Sciences
Classification: Uncertain significance for SH2B1-related condition. Last evaluated: 2026-01-22. Review status: criteria provided, single submitter. Criteria: ACMG Guidelines, 2015. Collection method: clinical testing. Allele origin: germline.
Comment: The SH2B1 c.1889G>A variant is predicted to result in the amino acid substitution p.Arg630Gln. This variant has been reported in an individual with obesity (da Fonseca et al. 2022. PubMed ID: 36436143). This variant is reported in 0.0033% of alleles in individuals of South Asian descent in gnomAD. At this time, the clinical significance of this variant is uncertain due to the absence of conclusive functional and genetic evidence.

Labcorp Genetics (formerly Invitae), Labcorp
Classification: Uncertain significance. Last evaluated: 2024-08-30. Review status: criteria provided, single submitter. Criteria: Invitae Variant Classification Sherloc (09022015). Collection method: clinical testing. Allele origin: germline.
Comment: This sequence change replaces arginine, which is basic and polar, with glutamine, which is neutral and polar, at codon 630 of the SH2B1 protein (p.Arg630Gln). This variant is present in population databases (rs760535051, gnomAD 0.003%). This missense change has been observed in individual(s) with obesity (PMID: 36436143). An algorithm developed to predict the effect of missense changes on protein structure and function (PolyPhen-2) suggests that this variant is likely to be tolerated. In summary, the available evidence is currently insufficient to determine the role of this variant in disease. Therefore, it has been classified as a Variant of Uncertain Significance.

Literature cited by the submitters: PubMed 36436143 (cited by Labcorp Genetics (formerly Invitae), Labcorp).

NM_001387430.1(SH2B1):c.1889G>A (p.Arg630Gln)

Gene: SH2B1 (SH2B adaptor protein 1; plus strand). Cytogenetic location: 16p11.2.
Variant type: single nucleotide variant.
Coding change: c.1889G>A on transcript NM_001387430.1 (MANE Select); coding-DNA position 1889, G replaced by A.
Protein change: p.Arg630Gln; replaces arginine 630 with glutamine.
Molecular consequence: missense variant.
Genome position (GRCh38, 1-based): chr16:28,872,697, G>A. VCF-style: chr16-28872697-G-A. GRCh37 (hg19) VCF-style: chr16-28884018-G-A.
Other names: c.1889G>A, p.Arg630Gln (NM_001145795.2, NM_001145796.2, NM_001145797.2 and 4 more transcripts); c.881G>A, p.Arg294Gln (NM_001308294.2); short protein forms R294Q, R630Q.
Identifiers: ClinVar variation 3357941 (VCV003357941.4).